The following is an entry in ClinVar:

ClinVar aggregate classification (germline): Uncertain significance. Review status: criteria provided, multiple submitters, no conflicts (2 of 4 stars). 2 submissions from 2 submitters: Uncertain significance (2). Last evaluated 2022-07-19.

Conditions:
Glycogen storage disease due to muscle and heart glycogen synthase deficiency. Also called: GSD 0b; MUSCLE GLYCOGEN SYNTHASE DEFICIENCY. Identifiers: Orphanet 137625, MedGen C1969054, MONDO:0012693, OMIM 611556.

Allele frequency attached by ClinVar (database versions not stated): ExAC 0.00006; gnomAD exomes 0.00007; gnomAD 0.00036; TOPMed 0.00038; 1000 Genomes Project 0.00040; 1000 Genomes Project 30x 0.00047; ESP Exome Variant Server 0.00051.
gnomAD v4.1: 105 of 1,545,046 alleles (0.0068%); highest among the groups gnomAD compares: African/African-American, 0.12%; no homozygotes.

Submissions (2):

Labcorp Genetics (formerly Invitae), Labcorp
Classification: Uncertain significance for Glycogen storage disease due to muscle and heart glycogen synthase deficiency. Last evaluated: 2022-07-19. Review status: criteria provided, single submitter. Criteria: Invitae Variant Classification Sherloc (09022015). Collection method: clinical testing. Allele origin: germline.
Comment: This sequence change replaces glycine, which is neutral and non-polar, with serine, which is neutral and polar, at codon 672 of the GYS1 protein (p.Gly672Ser). This variant is present in population databases (rs145448665, gnomAD 0.09%). This variant has not been reported in the literature in individuals affected with GYS1-related conditions. ClinVar contains an entry for this variant (Variation ID: 945494). Algorithms developed to predict the effect of missense changes on protein structure and function output the following: SIFT: "Tolerated"; PolyPhen-2: "Benign"; Align-GVGD: "Class C0". The serine amino acid residue is found in multiple mammalian species, which suggests that this missense change does not adversely affect protein function. In summary, the available evidence is currently insufficient to determine the role of this variant in disease. Therefore, it has been classified as a Variant of Uncertain Significance.

GeneDx
Classification: Uncertain significance. Last evaluated: 2020-09-30. Review status: criteria provided, single submitter. Criteria: GeneDx Variant Classification Process June 2021. Collection method: clinical testing. Allele origin: germline. Affected: yes.
Comment: In silico analysis supports that this missense variant does not alter protein structure/function; Has not been previously published as pathogenic or benign to our knowledge

NM_002103.5(GYS1):c.2014G>A (p.Gly672Ser)

Gene: GYS1 (glycogen synthase 1; minus strand). Cytogenetic location: 19q13.33.
Variant type: single nucleotide variant.
Coding change: c.2014G>A on transcript NM_002103.5 (MANE Select); coding-DNA position 2014, G replaced by A.
Protein change: p.Gly672Ser; replaces glycine 672 with serine.
Molecular consequence: missense variant. On other transcripts: non-coding transcript variant (1).
Genome position (GRCh38, 1-based): chr19:48,969,488, C>T on the plus strand (G>A on the coding strand, the complement: GYS1 is on the minus strand). VCF-style: chr19-48969488-C-T. GRCh37 (hg19) VCF-style: chr19-49472745-C-T.
Other names: c.1822G>A, p.Gly608Ser (NM_001161587.2); short protein forms G608S, G672S.
Identifiers: ClinVar variation 945494 (VCV000945494.10), dbSNP rs145448665, ClinGen allele CA9562718.